The following is an entry in ClinVar:

NM_000303.3(PMM2):c.192C>A (p.Tyr64Ter)

Gene: PMM2 (phosphomannomutase 2; plus strand). Cytogenetic location: 16p13.2.
Variant type: single nucleotide variant.
Coding change: c.192C>A on transcript NM_000303.3 (MANE Select); coding-DNA position 192, C replaced by A.
Protein change: p.Tyr64Ter; replaces tyrosine 64 with a stop codon.
Molecular consequence: nonsense.
Genome position (GRCh38, 1-based): chr16:8,804,780, C>A. VCF-style: chr16-8804780-C-A. GRCh37 (hg19) VCF-style: chr16-8898637-C-A.
Other names: short protein forms Y64*.
Identifiers: ClinVar variation 5012528 (VCV005012528.1).

ClinVar aggregate classification (germline): Pathogenic (1 of 4 stars; one submission).

Conditions:
PMM2-congenital disorder of glycosylation. Also called: Congenital disorder of glycosylation, type Ia; CDG Ia; JAEKEN SYNDROME; PHOSPHOMANNOMUTASE 2 DEFICIENCY; CARBOHYDRATE-DEFICIENT GLYCOPROTEIN SYNDROME, TYPE Ia; PMM2-CDG. Identifiers: Orphanet 79318, MedGen C0349653, MONDO:0008907, OMIM 212065.

Submission:

Myriad Genetics, Inc.
Classification: Pathogenic for PMM2-congenital disorder of glycosylation. Last evaluated: 2023-12-02. Review status: criteria provided, single submitter. Criteria: Myriad Autosomal Dominant, Autosomal Recessive and X-Linked Classification Criteria (2023). Collection method: clinical testing. Allele origin: unknown.
Comment: NM_000303.2(PMM2):c.192C>A(Y64*) is expected to be pathogenic in the context of congenital disorder of glycosylation, PMM2-related. This variant is predicted to lead to an abnormal or absent protein product due to the creation of a premature termination codon in PMM2, a gene where loss-of-function variants are known to be pathogenic. Please note: this variant was assessed in the context of healthy population screening.